The following is an entry in ClinVar:

NM_000053.4(ATP7B):c.2332C>T (p.Arg778Trp)

Gene: ATP7B (ATPase copper transporting beta; minus strand). Cytogenetic location: 13q14.3.
Variant type: single nucleotide variant.
Coding change: c.2332C>T on transcript NM_000053.4 (MANE Select); coding-DNA position 2332, C replaced by T.
Protein change: p.Arg778Trp; replaces arginine 778 with tryptophan.
Molecular consequence: missense variant. On other transcripts: intron variant (2).
Genome position (GRCh38, 1-based): chr13:51,958,334, G>A on the plus strand (C>T on the coding strand, the complement: ATP7B is on the minus strand). VCF-style: chr13-51958334-G-A. GRCh37 (hg19) VCF-style: chr13-52532470-G-A.
Other names: c.1999C>T (NM_001243182.1); c.1999C>T, p.Arg667Trp (NM_001243182.2); c.2080C>T, p.Arg694Trp (NM_001330579.2); c.1870-727C>T (NM_001005918.3); c.2122-727C>T (NM_001330578.2); short protein forms R778W, R694W, R667W.
Identifiers: ClinVar variation 456553 (VCV000456553.86), dbSNP rs137853284, ClinGen allele CA6989058.
Genomic context (GRCh38, chr13:51,958,334, plus strand): 5'-AGGAGCAGCTCTTTTCTGAACCTGAAGCTGCTGTTACCTTTGCCAAGTGTTCCAGCCACC[G>A]GCCCAGGGCAATGAACACAAAGAGCATGGGGGGCGTGTCGAAGAATGTCACAGGGCTCCT-3'
Protein context (NP_000044.2, residues 768-788): PMLFVFIALG[Arg778Trp]WLEHLAKSKT

ClinVar aggregate classification (germline): Pathogenic. Review status: criteria provided, multiple submitters, no conflicts (2 of 4 stars). 20 submissions from 20 submitters: Pathogenic (19). 1 of the submissions does not count toward it. Last evaluated 2025-12-31.

Conditions:
Wilson disease (WND). Also called: Wilson's disease. Identifiers: Orphanet 905, MedGen C0019202, MONDO:0010200, OMIM 277900. Disease mechanism: loss of function.
ATP7B-related disorder. Also called: ATP7B-related condition.
Inborn genetic diseases. Identifiers: MedGen C0950123, MeSH D030342.

Allele frequency attached by ClinVar (database versions not stated): gnomAD 0.00003; TOPMed 0.00003; ExAC 0.00004; ESP Exome Variant Server 0.00008.
gnomAD v4.1: 115 of 1,614,062 alleles (0.0071%); highest among the groups gnomAD compares: Middle Eastern, 0.016%; no homozygotes.

Submissions 1 to 12 of 20:

PreventionGenetics, part of Exact Sciences
Classification: Pathogenic for ATP7B-related condition. Last evaluated: 2025-12-31. Review status: criteria provided, single submitter. Criteria: ACMG Guidelines, 2015. Collection method: clinical testing. Allele origin: germline.
Comment: The ATP7B c.2332C>T variant is predicted to result in the amino acid substitution p.Arg778Trp. This variant has been reported in the homozygous or compound heterozygous state in individuals with Wilson disease (Shah et al. 1997. PubMed ID: 9311736; Katano et al. 2014. PubMed ID: 25130000; Couchonnal et al. 2021. PubMed ID: 34400371) and has been noted to segregate with the disorder in families (Butler et al. 2001. PubMed ID: 11243728; Coffey et al. 2013. PubMed ID: 23518715). Functional studies have shown that this variant reduces protein expression and activity (Kumar et al. 2007. PubMed ID: 17160357; Calvo et al. 2025. PubMed ID: 40661833). Alternate variants at the same amino acid position (p.Arg778Gln, p.Arg778Gly, p.Arg778Leu) have been reported individuals with Wilson disease from various ethnicities and noted to be pathogenic (Chuang et al. 1996. PubMed ID: 8782057; Table S2, Schushan. 2012. PubMed ID: 22692182). The c.2332C>T variant is reported in 0.019% of alleles in individuals of African descent in gnomAD and is classified as pathogenic in ClinVar (Variation ID: 456553). This variant is interpreted as pathogenic.

Labcorp Genetics (formerly Invitae), Labcorp
Classification: Pathogenic for Wilson disease. Last evaluated: 2025-12-16. Review status: criteria provided, single submitter. Criteria: Invitae Variant Classification Sherloc (09022015). Collection method: clinical testing. Allele origin: germline.
Comment: This sequence change replaces arginine, which is basic and polar, with tryptophan, which is neutral and slightly polar, at codon 778 of the ATP7B protein (p.Arg778Trp). This variant is present in population databases (rs137853284, gnomAD 0.02%). This missense change has been observed in individual(s) with Kayser-Fleischer rings and low serum ceruloplasmin, findings that are highly specific for Wilson disease (PMID: 17160357). ClinVar contains an entry for this variant (Variation ID: 456553). Invitae Evidence Modeling of protein sequence and biophysical properties (such as structural, functional, and spatial information, amino acid conservation, physicochemical variation, residue mobility, and thermodynamic stability) indicates that this missense variant is expected to disrupt ATP7B protein function with a positive predictive value of 80%. This variant disrupts the p.Arg778 amino acid residue in ATP7B. Other variant(s) that disrupt this residue have been determined to be pathogenic (PMID: 10790207, 11405812, 16283883, 19937698, 20517649, 20931554, 21682854, 23333878, 27022412). This suggests that this residue is clinically significant, and that variants that disrupt this residue are likely to be disease-causing. For these reasons, this variant has been classified as Pathogenic.

Natera, Inc.
Classification: Pathogenic for Wilson disease. Last evaluated: 2025-04-08. Review status: criteria provided, single submitter. Criteria: Natera Variant Classification Schema (03/2026). Collection method: clinical testing. Allele origin: germline.
Comment: The c.2332C>T variant in ATP7B is a missense variant predicted to cause substitution of arginine to tryptophan at amino acid 778. This variant is rare in the general population with a frequency below the threshold expected for the associated phenotype(s). This variant has been observed in one or more individuals affected with the associated recessive disease, as either homozygous or compound heterozygous with a second variant (PMID: 23518715). Given the available evidence, this variant is classified as Pathogenic.

Genomic Medicine Center of Excellence, King Faisal Specialist Hospital and Research Centre
Classification: Pathogenic for Wilson disease. Last evaluated: 2024-09-22. Review status: criteria provided, single submitter. Criteria: ACMG Guidelines, 2015. Collection method: clinical testing. Allele origin: germline.

All of Us Research Program, National Institutes of Health
Classification: Pathogenic for Wilson disease. Last evaluated: 2024-08-29. Review status: criteria provided, single submitter. Criteria: ACMG Guidelines, 2015. Collection method: clinical testing. Allele origin: germline. Inheritance: Autosomal recessive inheritance. Observed: 11 variant alleles, 11 heterozygotes.
Comment: This variant was detected in multiple affected individuals as homozygous or as compound heterozygous (in trans) with a likely pathogenic or pathogenic variant, which is consistent with autosomal recessive inheritance (PMID: 9311736, 10502777, 17160357, 30120852, 23567103, 36096368, 25130000, 16207219, 22735241, 20453399, 23518715). It has been reported to co-segregate with Wilson disease in multiple families (PMID: 23518715). This variant is rare in large population databases, including the Genome Aggregation Database. It is predicted to be deleterious by in silico analysis. Functional analysis suggests that this variant results in a deleterious effect on the protein (PMID: 17160357). Other missense substitutions at this amino acid residue have been previously reported in individual(s) with Wilson disease and classified as pathogenic (ClinVar variant IDs: 3852, 550914, 156283), which supports the functional importance of this position.

This study involves interpretation of variants in research participants for the purpose of population health screening. Participant phenotype was not available at the time of variant classification. Additional details can be found in publication PMID: 35346344, PMCID: PMC8962531

Blueprint Genetics
Classification: Pathogenic for ATP7B-related disorders. Last evaluated: 2024-05-28. Review status: criteria provided, single submitter. Criteria: ACMG Guidelines, 2015. Collection method: clinical testing. Allele origin: germline. Affected: yes. Observed: 5 variant alleles.

Fulgent Genetics
Classification: Pathogenic for Wilson disease. Last evaluated: 2024-04-03. Review status: criteria provided, single submitter. Criteria: ACMG Guidelines, 2015. Collection method: clinical testing. Allele origin: germline.

Color Diagnostics, LLC DBA Color Health
Classification: Pathogenic for Wilson disease. Last evaluated: 2024-03-28. Review status: criteria provided, single submitter. Criteria: ACMG Guidelines, 2015. Collection method: clinical testing. Allele origin: germline.
Comment: This missense variant replaces arginine with tryptophan at codon 778 of the ATP7B protein. Computational prediction suggests that this variant may have deleterious impact on protein structure and function. This variant has been reported in individuals affected with Wilson disease (PMID: 9311736, 9671269, 10502776, 10502777, 10790207, 15967699, 16207219, 17160357, 17949296, 22677543, 23333878, 23518715, 23567103, 27022412). In many individuals, this variant was confirmed to be in the compound heterozygous state or homozygous state (PMID: 10502777, 17160357, 23518715, 23567103). Patient-derived cells showed a 50% reduction in ATPase activity compared to wild-type (PMID: 17160357). This variant has been identified in 13/249436 chromosomes in the general population by the Genome Aggregation Database (gnomAD). Based on the available evidence, this variant is classified as Pathogenic.

Baylor Genetics
Classification: Pathogenic for Wilson disease. Last evaluated: 2024-03-13. Review status: criteria provided, single submitter. Criteria: ACMG Guidelines, 2015. Collection method: clinical testing. Allele origin: unknown.

Mayo Clinic Laboratories, Mayo Clinic
Classification: Pathogenic. Last evaluated: 2023-08-24. Review status: criteria provided, single submitter. Criteria: ACMG Guidelines, 2015. Collection method: clinical testing. Allele origin: germline.
Comment: PP4, PM1, PM2_moderate, PM5, PS4

Revvity Omics, Revvity
Classification: Pathogenic for Wilson disease. Last evaluated: 2023-05-15. Review status: criteria provided, single submitter. Criteria: ACMG Guidelines, 2015. Collection method: clinical testing. Allele origin: germline.

Laboratory for Molecular Medicine, Mass General Brigham Personalized Medicine
Classification: Pathogenic for Wilson disease. Last evaluated: 2023-02-02. Review status: criteria provided, single submitter. Criteria: ACMG Guidelines, 2015. Collection method: clinical testing. Allele origin: germline.
Comment: The p.Arg778Trp variant in ATP7B has been reported in several individuals with Wilson disease, including at least 4 homozygotes and 9 compound heterozygotes (Coffey 2013, Dufernez 2013, Okada 2000). This variant has also been identified in 0.01% (3/15482) of African chromosomes by gnomAD. Computational prediction tools and conservation analysis suggest that this variant may impact the protein, though this information is not predictive enough to determine pathogenicity. In summary, this variant meets criteria to be classified as pathogenic for autosomal recessive Wilson disease. ACMG/AMP criteria applied: PM3_VeryStrong, PM2, PP3, PP4.